The following is an entry in ClinVar:

NM_017491.5(WDR1):c.303C>T (p.Phe101=)

Gene: WDR1 (WD repeat domain 1; minus strand). Cytogenetic location: 4p16.1.
Variant type: single nucleotide variant.
Coding change: c.303C>T on transcript NM_017491.5 (MANE Select); coding-DNA position 303, C replaced by T.
Protein change: p.Phe101=; no amino-acid change (phenylalanine 101 retained).
Molecular consequence: synonymous variant. On other transcripts: intron variant (1).
Genome position (GRCh38, 1-based): chr4:10,099,066, G>A on the plus strand (C>T on the coding strand, the complement: WDR1 is on the minus strand). VCF-style: chr4-10099066-G-A. GRCh37 (hg19) VCF-style: chr4-10100690-G-A.
Other names: c.139-10325C>T (NM_005112.5).
Identifiers: ClinVar variation 1573973 (VCV001573973.32), dbSNP rs773064561, ClinGen allele CA2858113.
Genomic context (GRCh38, chr4:10,099,066, plus strand): 5'-CCCGACCACGGCGATCCTCTTACTGTCTTCAGTCCAAGCAATGTCTTTGATCTTCCCAGC[G>A]AAAGGCTGGTACTCATACTTCAACAGGTGCTCCTTCTGCGTGGTATCCCAGATCCTCAGC-3'
Protein context (NP_059830.1, residues 91-111): EHLLKYEYQP[Phe101=]AGKIKDIAWT

ClinVar aggregate classification (germline): Likely benign. Review status: criteria provided, multiple submitters, no conflicts (2 of 4 stars). 2 submissions from 2 submitters: Likely benign (2). Last evaluated 2025-12-22.

Allele frequency attached by ClinVar (database versions not stated): ExAC 0.00002; gnomAD 0.00002; gnomAD exomes 0.00002; TOPMed 0.00002.

Submissions (2):

Labcorp Genetics (formerly Invitae), Labcorp
Classification: Likely benign. Last evaluated: 2025-12-22. Review status: criteria provided, single submitter. Criteria: Invitae Variant Classification Sherloc (09022015). Collection method: clinical testing. Allele origin: germline.

CeGaT Center for Human Genetics Tuebingen
Classification: Likely benign. Last evaluated: 2022-06-01. Review status: criteria provided, single submitter. Criteria: CeGaT Center For Human Genetics Tuebingen Variant Classification Criteria Version 2. Collection method: clinical testing. Allele origin: germline. Affected: yes. Observed: 1 variant allele.
Comment: WDR1: BP4, BP7